The following continues an entry in ClinVar:

NM_000059.4(BRCA2):c.6875A>G (p.Glu2292Gly)

Gene: BRCA2. ClinVar aggregate classification (germline): Uncertain significance. Uncertain significance (10).

Submissions 10 to 14 of 14:

ARUP Laboratories, Molecular Genetics and Genomics, ARUP Laboratories
Classification: Uncertain significance. Last evaluated: 2017-07-12. Review status: criteria provided, single submitter. Criteria: ARUP Molecular Germline Variant Investigation Process. Collection method: clinical testing. Allele origin: germline.
Comment: The BRCA2 c.6875A>G;p.Glu2292Gly variant has been published in at least one individual with breast cancer (Kraus 2017). The variant is listed in the ClinVar database (Variation ID: 38071) and in the dbSNP variant database (rs397507378) with an allele frequency of 0.001453 percent (4/275354 alleles) in the Genome Aggregation Database. The amino acid at this position is highly conserved across species and computational algorithms (PolyPhen2, SIFT) predict this variant is damaging. Considering available information, there is insufficient evidence to classify this variant with certainty. References: Kraus C et al. Gene panel sequencing in familial breast/ovarian cancer patients identifies multiple novel mutations also in genes others than BRCA1/2. Int J Cancer. 2017 Jan 1;140(1):95-102.

Counsyl
Classification: Uncertain significance for Breast-ovarian cancer, familial, susceptibility to, 2. Last evaluated: 2017-08-22. Review status: no assertion criteria provided. Collection method: clinical testing. Allele origin: unknown. Not counted in ClinVar's aggregate classification.

ITMI
No classification provided. Condition: AllHighlyPenetrant. Last evaluated: 2013-09-19. Review status: no classification provided. Collection method: reference population. Allele origin: germline. Not counted in ClinVar's aggregate classification.
Comment: Please see associated publication for description of ethnicities

Sharing Clinical Reports Project (SCRP)
Classification: Uncertain significance for Breast-ovarian cancer, familial 2. Last evaluated: 2013-05-29. Review status: no assertion criteria provided. Collection method: clinical testing. Allele origin: germline. Not counted in ClinVar's aggregate classification.

Department of Pathology and Laboratory Medicine, Sinai Health System
Classification: Uncertain significance for Malignant tumor of breast. Review status: no assertion criteria provided. Collection method: clinical testing. Allele origin: unknown. Affected: yes. Study: The Canadian Open Genetics Repository (COGR). Not counted in ClinVar's aggregate classification.
Comment: The p.Glu2292Gly variant was not identified in the literature nor was it identified in the NHLBI Exome Sequencing Project (Exome Variant Server), HGMD, LOVD, COSMIC, GeneInsight VariantWire database, the BIC database and UMD. The variant was identified in dbSNP (ID: rs397507378) â€šÃ„ÃºWith uncertain significance alleleâ€šÃ„Ã¹; the ClinVar database (classified as a â€šÃ„Ãºuncertain significanceâ€šÃ„Ã¹ variant by the Sharing Clinical Reports Project (derived from Myriad reports) and Ambry Genetics) and in 1 of 64634 European individuals from the Exome Aggregation Consortium (ExAC) database. The p.Glu2292 residue is conserved across mammals and other organisms, and four out of five computational analyses (PolyPhen-2, SIFT, AlignGVGD, BLOSUM, MutationTaster) suggest that the p.Glu2292 variant may impact the protein. However, this information is not predictive enough to assume pathogenicity. The variant occurs outside of the splicing consensus sequence and in silico or computational prediction software programs (SpliceSiteFinder, MaxEntScan, NNSPLICE, GeneSplicer, HumanSpliceFinder) do not predict a difference in splicing. In summary, based on the above information, the clinical significance of this variant cannot be determined with certainty at this time. This variant is classified as a variant of unknown significance.

Literature cited by the submitters: PubMed 24728327 (cited by 7 submitters); PubMed 27616075 (cited by 7 submitters); PubMed 32438681 (cited by Labcorp Genetics (formerly Invitae), Labcorp and Color Diagnostics, LLC DBA Color Health); PubMed 33471991 (cited by Color Diagnostics, LLC DBA Color Health); PubMed 25142776 (cited by Women's Health and Genetics/Laboratory Corporation of America, LabCorp).